The following is an entry in ClinVar:

NM_138691.3(TMC1):c.564C>A (p.Tyr188Ter)

Gene: TMC1 (transmembrane channel like 1; plus strand). Cytogenetic location: 9q21.13.
Variant type: single nucleotide variant.
Coding change: c.564C>A on transcript NM_138691.3 (MANE Select); coding-DNA position 564, C replaced by A.
Protein change: p.Tyr188Ter; replaces tyrosine 188 with a stop codon.
Molecular consequence: nonsense.
Genome position (GRCh38, 1-based): chr9:72,751,878, C>A. VCF-style: chr9-72751878-C-A. GRCh37 (hg19) VCF-style: chr9-75366794-C-A.
Other names: short protein forms Y188*.
Identifiers: ClinVar variation 1333686 (VCV001333686.1), dbSNP rs1178631956, ClinGen allele CA373497580.

ClinVar aggregate classification (germline): Likely pathogenic (1 of 4 stars; one submission).

Conditions:
Autosomal recessive nonsyndromic hearing loss 7. Also called: DEAFNESS, AUTOSOMAL RECESSIVE 11. Identifiers: Orphanet 90636, MedGen C1832978, MONDO:0010967, OMIM 600974.

Allele frequency attached by ClinVar (database versions not stated): gnomAD exomes below 0.00001; TOPMed below 0.00001; gnomAD 0.00001.
gnomAD v4.1: 2 of 1,613,104 alleles (0.00012%); highest among the groups gnomAD compares: Non-Finnish European, 0.00017%; no homozygotes.

Submission:

3billion
Classification: Likely pathogenic for Autosomal recessive nonsyndromic hearing loss 7. Last evaluated: 2022-01-03. Review status: criteria provided, single submitter. Criteria: ACMG Guidelines, 2015. Collection method: clinical testing. Allele origin: germline. Affected: yes. Observed: 1 homozygote.
Comment: Stop-gained (nonsense): predicted to result in a loss or disruption of normal protein function through nonsense-mediated decay (NMD) or protein truncation. Multiple pathogenic variants are reported downstream of the variant (PVS1_VS). It is not observed in the gnomAD v2.1.1 dataset (PM2_M). Therefore, this variant is classified as likely pathogenic according to the recommendation of ACMG/AMP guideline.